The following is an entry in ClinVar:

ClinVar aggregate classification (germline): Uncertain significance. Review status: criteria provided, multiple submitters, no conflicts (2 of 4 stars). 4 submissions from 4 submitters: Uncertain significance (3). 1 of the submissions does not count toward it. Last evaluated 2025-06-12.

Conditions:
Usher syndrome type 1B (USH1B). Also called: Usher syndrome type IB. Identifiers: MedGen C1848638, MONDO:0700087.

Allele frequency attached by ClinVar (database versions not stated): gnomAD 0.00001; TOPMed 0.00005; ESP Exome Variant Server 0.00016; gnomAD exomes 0.00003 and 0.00004; ExAC 0.00002.
gnomAD v4.1: 65 of 1,609,958 alleles (0.004%); highest among the groups gnomAD compares: Non-Finnish European, 0.0048%; no homozygotes.

Submissions (4):

Labcorp Genetics (formerly Invitae), Labcorp
Classification: Uncertain significance. Last evaluated: 2025-06-12. Review status: criteria provided, single submitter. Criteria: Invitae Variant Classification Sherloc (09022015). Collection method: clinical testing. Allele origin: germline.
Comment: This sequence change replaces glutamic acid, which is acidic and polar, with lysine, which is basic and polar, at codon 1421 of the MYO7A protein (p.Glu1421Lys). This variant is present in population databases (rs371268030, gnomAD 0.005%). This variant has not been reported in the literature in individuals affected with MYO7A-related conditions. ClinVar contains an entry for this variant (Variation ID: 970609). Invitae Evidence Modeling of protein sequence and biophysical properties (such as structural, functional, and spatial information, amino acid conservation, physicochemical variation, residue mobility, and thermodynamic stability) indicates that this missense variant is not expected to disrupt MYO7A protein function with a negative predictive value of 95%. In summary, the available evidence is currently insufficient to determine the role of this variant in disease. Therefore, it has been classified as a Variant of Uncertain Significance.

Blueprint Genetics
Classification: Uncertain significance. Last evaluated: 2024-07-19. Review status: criteria provided, single submitter. Criteria: ACMG Guidelines, 2015. Collection method: clinical testing. Allele origin: germline.

GeneDx
Classification: Uncertain significance. Last evaluated: 2024-05-14. Review status: criteria provided, single submitter. Criteria: GeneDx Variant Classification Process June 2021. Collection method: clinical testing. Allele origin: germline. Affected: yes.
Comment: In silico analysis indicates that this missense variant does not alter protein structure/function; Has not been previously published as pathogenic or benign to our knowledge

Natera, Inc.
Classification: Uncertain significance for Usher syndrome type 1B. Last evaluated: 2020-06-18. Review status: no assertion criteria provided. Collection method: clinical testing. Allele origin: germline. Not counted in ClinVar's aggregate classification.

NM_000260.4(MYO7A):c.4261G>A (p.Glu1421Lys)

Gene: MYO7A (myosin VIIA; plus strand). Cytogenetic location: 11q13.5.
Variant type: single nucleotide variant.
Coding change: c.4261G>A on transcript NM_000260.4 (MANE Select); coding-DNA position 4261, G replaced by A.
Protein change: p.Glu1421Lys; replaces glutamic acid 1421 with lysine.
Molecular consequence: missense variant.
Genome position (GRCh38, 1-based): chr11:77,194,462, G>A. VCF-style: chr11-77194462-G-A. GRCh37 (hg19) VCF-style: chr11-76905507-G-A.
Other names: c.4261G>A, p.Glu1421Lys (NM_001127180.2); c.4228G>A, p.Glu1410Lys (NM_001369365.1); short protein forms E1421K, E1410K.
Identifiers: ClinVar variation 970609 (VCV000970609.7), dbSNP rs371268030, ClinGen allele CA6198389.